The following is an entry in ClinVar:

NM_000199.5(SGSH):c.659T>G (p.Val220Gly)

Gene: SGSH (N-sulfoglucosamine sulfohydrolase; minus strand). Cytogenetic location: 17q25.3.
Variant type: single nucleotide variant.
Coding change: c.659T>G on transcript NM_000199.5 (MANE Select); coding-DNA position 659, T replaced by G.
Protein change: p.Val220Gly; replaces valine 220 with glycine.
Molecular consequence: missense variant. On other transcripts: non-coding transcript variant (1).
Genome position (GRCh38, 1-based): chr17:80,214,176, A>C on the plus strand (T>G on the coding strand, the complement: SGSH is on the minus strand). VCF-style: chr17-80214176-A-C. GRCh37 (hg19) VCF-style: chr17-78187975-A-C.
Other names: c.659T>G, p.Val220Gly (NM_001352921.3, NM_001352922.2); short protein forms V220G.
Identifiers: ClinVar variation 1496275 (VCV001496275.8), dbSNP rs2144741986, ClinGen allele CA401361700.

ClinVar aggregate classification (germline): Uncertain significance (1 of 4 stars; one submission).

Conditions:
Mucopolysaccharidosis, MPS-III-A (MPS3A). Also called: HEPARAN SULFATE SULFATASE DEFICIENCY; SANFILIPPO SYNDROME A; SULFAMIDASE DEFICIENCY; MPS III A; MPS IIIA (Sanfilippo Syndrome Type A); Mucopolysaccharidosis type IIIA (Sanfilippo A). Identifiers: Orphanet 581, Orphanet 79269, MedGen C0086647, MONDO:0009655, OMIM 252900.

Submission:

Labcorp Genetics (formerly Invitae), Labcorp
Classification: Uncertain significance for Mucopolysaccharidosis, MPS-III-A. Last evaluated: 2021-05-20. Review status: criteria provided, single submitter. Criteria: Invitae Variant Classification Sherloc (09022015). Collection method: clinical testing. Allele origin: germline.
Comment: In summary, the available evidence is currently insufficient to determine the role of this variant in disease. Therefore, it has been classified as a Variant of Uncertain Significance. Advanced modeling of protein sequence and biophysical properties (such as structural, functional, and spatial information, amino acid conservation, physicochemical variation, residue mobility, and thermodynamic stability) performed at Invitae indicates that this missense variant is expected to disrupt SGSH protein function. This variant has been observed in individual(s) with mucopolysaccharidosis type IIIA (Invitae). This variant is not present in population databases (ExAC no frequency). This sequence change replaces valine with glycine at codon 220 of the SGSH protein (p.Val220Gly). The valine residue is highly conserved and there is a moderate physicochemical difference between valine and glycine.